The following is an entry in ClinVar:

ClinVar aggregate classification (germline): Uncertain significance (1 of 4 stars; one submission).

Conditions:
Hereditary cancer-predisposing syndrome. Also called: Tumor predisposition; Hereditary neoplastic syndrome; Hereditary Cancer Syndrome; Neoplastic Syndromes, Hereditary. Identifiers: Orphanet 140162, MedGen C0027672, MeSH D009386, MONDO:0015356.

Submission:

Ambry Genetics
Classification: Uncertain significance for Hereditary cancer-predisposing syndrome. Last evaluated: 2023-11-22. Review status: criteria provided, single submitter. Criteria: Ambry Variant Classification Scheme 2023. Collection method: clinical testing. Allele origin: germline.
Comment: The p.K178E variant (also known as c.532A>G), located in coding exon 3 of the MSH3 gene, results from an A to G substitution at nucleotide position 532. The lysine at codon 178 is replaced by glutamic acid, an amino acid with similar properties. This amino acid position is well conserved in available vertebrate species. In addition, this alteration is predicted to be tolerated by in silico analysis. Since supporting evidence is limited at this time, the clinical significance of this alteration remains unclear.

NM_002439.5(MSH3):c.532A>G (p.Lys178Glu)

Gene: MSH3 (mutS homolog 3; plus strand). Cytogenetic location: 5q14.1.
Variant type: single nucleotide variant.
Coding change: c.532A>G on transcript NM_002439.5 (MANE Select); coding-DNA position 532, A replaced by G.
Protein change: p.Lys178Glu; replaces lysine 178 with glutamic acid.
Molecular consequence: missense variant.
Genome position (GRCh38, 1-based): chr5:80,665,316, A>G. VCF-style: chr5-80665316-A-G. GRCh37 (hg19) VCF-style: chr5-79961135-A-G.
Other names: short protein forms K178E.
Identifiers: ClinVar variation 3222301 (VCV003222301.1), dbSNP rs1749545795, ClinGen allele CA360264287.